The following is an entry in ClinVar:

ClinVar aggregate classification (germline): Uncertain significance (1 of 4 stars; one submission).

Conditions:
Immunodeficiency 39 (IMD39). Identifiers: Orphanet 574918, MedGen C4225358, MONDO:0014597, OMIM 616345.

Submission:

Labcorp Genetics (formerly Invitae), Labcorp
Classification: Uncertain significance for Immunodeficiency 39. Last evaluated: 2025-11-10. Review status: criteria provided, single submitter. Criteria: Invitae Variant Classification Sherloc (09022015). Collection method: clinical testing. Allele origin: germline.
Comment: This sequence change creates a premature translational stop signal (p.Ser114Thrfs*13) in the IRF7 gene. It is expected to result in an absent or disrupted protein product. However, the current clinical and genetic evidence is not sufficient to establish whether loss-of-function variants in IRF7 cause disease. This variant is present in population databases (rs754686048, gnomAD 0.02%). This variant has not been reported in the literature in individuals affected with IRF7-related conditions. ClinVar contains an entry for this variant (Variation ID: 1025397). In summary, the available evidence is currently insufficient to determine the role of this variant in disease. Therefore, it has been classified as a Variant of Uncertain Significance.

NM_001572.5(IRF7):c.287_293dup (p.Ser101fs)

Gene: IRF7 (interferon regulatory factor 7; minus strand). Cytogenetic location: 11p15.5.
Variant type: Duplication.
Coding change: c.287_293dup on transcript NM_001572.5 (MANE Select); coding-DNA positions 287 to 293, 7 bases duplicated (GCTGCGC; older notation c.287_293dupGCTGCGC).
Protein change: p.Ser101fs; shifts the reading frame from serine 101.
Molecular consequence: frameshift variant.
Genome position (GRCh38, 1-based): chr11:614,898-614,904, GCGCAGC duplicated on the plus strand (GCTGCGC on the coding strand, the reverse complement: IRF7 is on the minus strand); duplicating any 7 consecutive bases within chr11:614,898-614,905 gives the same sequence; the c. name uses the placement nearest the transcript's 3' end. VCF-style (leftmost placement, unchanged base first): chr11-614897-T-TGCGCAGC. GRCh37 (hg19) VCF-style: chr11-614897-T-TGCGCAGC.
Other names: c.287_293dup, p.Ser101fs (NM_004029.4); c.326_332dup, p.Ser114fs (NM_004031.4); short protein forms S101fs, S114fs.
Identifiers: ClinVar variation 1025397 (VCV001025397.6), dbSNP rs754686048, ClinGen allele CA5784011.